The following is an entry in ClinVar:

ClinVar aggregate classification (germline): Uncertain significance (1 of 4 stars; one submission).

Conditions:
Infantile-onset ascending hereditary spastic paralysis (IAHSP). Also called: Autosomal Recessive Juvenile Amyotrophic Lateral Sclerosis; Infantile-Onset Ascending Hereditary Spastic Paralysis (IAHSP). Identifiers: Orphanet 293168, MedGen C2931441, MONDO:0011797, OMIM 607225. Disease mechanism: loss of function.

Allele frequency attached by ClinVar (database versions not stated): gnomAD exomes below 0.00001.

Submission:

Labcorp Genetics (formerly Invitae), Labcorp
Classification: Uncertain significance for Infantile-onset ascending hereditary spastic paralysis. Last evaluated: 2021-06-19. Review status: criteria provided, single submitter. Criteria: Invitae Variant Classification Sherloc (09022015). Collection method: clinical testing. Allele origin: germline.
Comment: In summary, the available evidence is currently insufficient to determine the role of this variant in disease. Therefore, it has been classified as a Variant of Uncertain Significance. Algorithms developed to predict the effect of missense changes on protein structure and function output the following: SIFT: "Tolerated"; PolyPhen-2: "Benign"; Align-GVGD: "Class C0". The asparagine amino acid residue is found in multiple mammalian species, suggesting that this missense change does not adversely affect protein function. These predictions have not been confirmed by published functional studies and their clinical significance is uncertain. This variant has not been reported in the literature in individuals with ALS2-related conditions. This variant is not present in population databases (ExAC no frequency). This sequence change replaces serine with asparagine at codon 72 of the ALS2 protein (p.Ser72Asn). The serine residue is moderately conserved and there is a small physicochemical difference between serine and asparagine.

NM_020919.4(ALS2):c.215G>A (p.Ser72Asn)

Gene: ALS2 (alsin Rho guanine nucleotide exchange factor ALS2; minus strand). Cytogenetic location: 2q33.1.
Variant type: single nucleotide variant.
Coding change: c.215G>A on transcript NM_020919.4 (MANE Select); coding-DNA position 215, G replaced by A.
Protein change: p.Ser72Asn; replaces serine 72 with asparagine.
Molecular consequence: missense variant.
Genome position (GRCh38, 1-based): chr2:201,761,779, C>T on the plus strand (G>A on the coding strand, the complement: ALS2 is on the minus strand). VCF-style: chr2-201761779-C-T. GRCh37 (hg19) VCF-style: chr2-202626502-C-T.
Other names: c.215G>A, p.Ser72Asn (NM_001135745.2); short protein forms S72N.
Identifiers: ClinVar variation 1441610 (VCV001441610.8), dbSNP rs2106090137, ClinGen allele CA350329335.